The following is an entry in ClinVar:

GRCh38/hg38 16p13.11-12.3(chr16:14816348-18047194)x1

Genes: ABCC1 (ATP binding cassette subfamily C member 1 (ABCC1 blood group); plus strand), ABCC6 (ATP binding cassette subfamily C member 6; minus strand), BMERB1 (bMERB domain containing 1; plus strand), CEP20 (centrosomal protein 20; minus strand), MARF1 (meiosis regulator and mRNA stability factor 1; minus strand) and 82 more. Cytogenetic location: 16p13.11-12.3.
Variant type: copy number loss.
Change: copy number 1 (one copy instead of two) of chr16:14,816,348-18,047,194 (3.23 Mb, GRCh38 coordinates, 1-based), cytogenetic band 16p13.11-12.3.
Identifiers: ClinVar variation 57168 (VCV000057168.1).

ClinVar aggregate classification (germline): Pathogenic (1 of 4 stars; one submission).

Submission:

ISCA site 4
Classification: Pathogenic. Last evaluated: 2011-08-12. Review status: criteria provided, single submitter. Criteria: Kaminsky et al. (Genet Med. 2011). Collection method: clinical testing. Allele origin: unknown. Affected: yes. Observed: 1 variant allele.
Comment: Copy number variation identified through the course of routine clinical cytogenomic testing in postnatal populations. Clinical assertions have been curated as described in Kaminsky et al. 2011.